The following is an entry in ClinVar:

NM_000359.3(TGM1):c.1492-7C>T

Gene: TGM1 (transglutaminase 1; minus strand). Cytogenetic location: 14q12.
Variant type: single nucleotide variant.
Coding change: c.1492-7C>T on transcript NM_000359.3 (MANE Select); 7 bases into the intron before coding-DNA position 1492, C replaced by T.
Molecular consequence: intron variant.
Genome position (GRCh38, 1-based): chr14:24,255,524, G>A on the plus strand (C>T on the coding strand, the complement: TGM1 is on the minus strand). VCF-style: chr14-24255524-G-A. GRCh37 (hg19) VCF-style: chr14-24724730-G-A.
Other names: c.1492-7C>T (NM_000359.2).
Identifiers: ClinVar variation 1127582 (VCV001127582.11), dbSNP rs199639117, ClinGen allele CA7131063.
Genomic context (GRCh38, chr14:24,255,524, plus strand): 5'-AATCTTGAAGCTGCCATCATCCTGCCGCTGCCAGTACACCTTGTCACTATTCACCTGTGG[G>A]GGGTGGGGGTGAGCAGGAATGAGTGAGCCAGAGGGTCTGAGGGTGGCCTGACTCCCGGCC-3'

ClinVar aggregate classification (germline): Likely benign. Review status: criteria provided, single submitter (1 of 4 stars). 2 submissions from 2 submitters: Likely benign (1). 1 of the submissions does not count toward it. Last evaluated 2023-11-13.

Conditions:
TGM1-related disorder. Also called: TGM1-related condition.

Allele frequency attached by ClinVar (database versions not stated): gnomAD 0.00002 and 0.00005; gnomAD exomes 0.00002; TOPMed 0.00002; ExAC 0.00003; 1000 Genomes Project 0.00060; 1000 Genomes Project 30x 0.00062.
gnomAD v4.1: 29 of 1,612,824 alleles (0.0018%); highest among the groups gnomAD compares: Middle Eastern, 0.059%; no homozygotes.

Submissions (2):

Labcorp Genetics (formerly Invitae), Labcorp
Classification: Likely benign. Last evaluated: 2023-11-13. Review status: criteria provided, single submitter. Criteria: Invitae Variant Classification Sherloc (09022015). Collection method: clinical testing. Allele origin: germline.

PreventionGenetics, part of Exact Sciences
Classification: Likely benign for TGM1-related condition. Last evaluated: 2019-10-28. Review status: no assertion criteria provided. Collection method: clinical testing. Allele origin: germline. Not counted in ClinVar's aggregate classification.
Comment: This variant is classified as likely benign based on ACMG/AMP sequence variant interpretation guidelines (Richards et al. 2015 PMID: 25741868, with internal and published modifications).